The following is an entry in ClinVar:

NM_001330078.2(NRXN1):c.4220A>G (p.Asn1407Ser)

Gene: NRXN1 (neurexin 1; minus strand). Cytogenetic location: 2p16.3.
Variant type: single nucleotide variant.
Coding change: c.4220A>G on transcript NM_001330078.2 (MANE Select); coding-DNA position 4220, A replaced by G.
Protein change: p.Asn1407Ser; replaces asparagine 1407 with serine.
Molecular consequence: missense variant.
Genome position (GRCh38, 1-based): chr2:49,922,248, T>C on the plus strand (A>G on the coding strand, the complement: NRXN1 is on the minus strand). VCF-style: chr2-49922248-T-C. GRCh37 (hg19) VCF-style: chr2-50149386-T-C.
Other names: c.4187A>G, p.Asn1396Ser (NM_001330082.2); c.4055A>G, p.Asn1352Ser (NM_001330083.2); c.4154A>G, p.Asn1385Ser (NM_001330084.2); c.4193A>G, p.Asn1398Ser (NM_001330085.2); c.4211A>G, p.Asn1404Ser (NM_001330086.2); c.4019A>G, p.Asn1340Ser (NM_001330087.2); c.4040A>G, p.Asn1347Ser (NM_001330088.2); c.1106A>G, p.Asn369Ser (NM_001330091.2); and 12 more; short protein forms N1447S, N1337S, N1347S, N1377S, N1399S, N1404S, N39S, N42S.
Identifiers: ClinVar variation 567894 (VCV000567894.12), dbSNP rs146968018, ClinGen allele CA1654238.
Genomic context (GRCh38, chr2:49,922,248, plus strand): 5'-GACTCCCGGATCACTTCTGCTGAGCCTGGATACGGCTCTCTGCCGCCTGCTCGGGTTGGG[T>C]TGGCTATAGAAAAGAGGATGAGAACAAACACAAAGTGATCATTGAGTTCACTGAATACCA-3'
Protein context (NP_001317007.1, residues 1397-1417): PCEPSSGGLA[Asn1407Ser]PTRAGGREPY

ClinVar aggregate classification (germline): Uncertain significance. Review status: criteria provided, multiple submitters, no conflicts (2 of 4 stars). 3 submissions from 3 submitters: Uncertain significance (3). Last evaluated 2025-08-18.

Conditions:
Inborn genetic diseases. Identifiers: MedGen C0950123, MeSH D030342.
Pitt-Hopkins-like syndrome 2 (PTHSL2). Identifiers: Orphanet 221150, Orphanet 600663, MedGen C3280479, MONDO:0013690, OMIM 614325.

Allele frequency attached by ClinVar (database versions not stated): ExAC 0.00001; gnomAD 0.00001; gnomAD exomes 0.00001; TOPMed 0.00005; ESP Exome Variant Server 0.00008.
gnomAD v4.1: 21 of 1,612,930 alleles (0.0013%); highest among the groups gnomAD compares: Non-Finnish European, 0.0017%; no homozygotes.

Submissions (3):

Labcorp Genetics (formerly Invitae), Labcorp
Classification: Uncertain significance for Pitt-Hopkins-like syndrome 2. Last evaluated: 2025-08-18. Review status: criteria provided, single submitter. Criteria: Invitae Variant Classification Sherloc (09022015). Collection method: clinical testing. Allele origin: germline.
Comment: This sequence change replaces asparagine, which is neutral and polar, with serine, which is neutral and polar, at codon 1447 of the NRXN1 protein (p.Asn1447Ser). This variant is present in population databases (rs146968018, gnomAD 0.003%). This variant has not been reported in the literature in individuals affected with NRXN1-related conditions. ClinVar contains an entry for this variant (Variation ID: 567894). Invitae Evidence Modeling of protein sequence and biophysical properties (such as structural, functional, and spatial information, amino acid conservation, physicochemical variation, residue mobility, and thermodynamic stability) indicates that this missense variant is not expected to disrupt NRXN1 protein function with a negative predictive value of 80%. In summary, the available evidence is currently insufficient to determine the role of this variant in disease. Therefore, it has been classified as a Variant of Uncertain Significance.

Ambry Genetics
Classification: Uncertain significance for Inborn genetic diseases. Last evaluated: 2022-09-29. Review status: criteria provided, single submitter. Criteria: Ambry Variant Classification Scheme 2023. Collection method: clinical testing. Allele origin: germline.

GeneDx
Classification: Uncertain significance. Last evaluated: 2020-09-25. Review status: criteria provided, single submitter. Criteria: GeneDx Variant Classification Process June 2021. Collection method: clinical testing. Allele origin: germline. Affected: yes.
Comment: Not observed at a significant frequency in large population cohorts (Lek et al., 2016); In silico analysis supports that this missense variant has a deleterious effect on protein structure/function; Missense variant in a gene in which most reported pathogenic variants are truncating/loss-of-function; Has not been previously published as pathogenic or benign to our knowledge